The following is an entry in ClinVar:

NM_001297.5(CNGB1):c.2026G>A (p.Val676Met)

Gene: CNGB1 (cyclic nucleotide gated channel subunit beta 1; minus strand). Cytogenetic location: 16q21.
Variant type: single nucleotide variant.
Coding change: c.2026G>A on transcript NM_001297.5 (MANE Select); coding-DNA position 2026, G replaced by A.
Protein change: p.Val676Met; replaces valine 676 with methionine.
Molecular consequence: missense variant.
Genome position (GRCh38, 1-based): chr16:57,917,408, C>T on the plus strand (G>A on the coding strand, the complement: CNGB1 is on the minus strand). VCF-style: chr16-57917408-C-T. GRCh37 (hg19) VCF-style: chr16-57951312-C-T.
Other names: c.2008G>A, p.Val670Met (NM_001286130.2); short protein forms V670M, V676M.
Identifiers: ClinVar variation 953455 (VCV000953455.7), dbSNP rs1452697207, ClinGen allele CA396064460.

ClinVar aggregate classification (germline): Uncertain significance (1 of 4 stars; one submission).

Allele frequency attached by ClinVar (database versions not stated): TOPMed 0.00002; gnomAD 0.00001.
gnomAD v4.1: 4 of 1,613,890 alleles (0.00025%); highest among the groups gnomAD compares: East Asian, 0.0022%; no homozygotes.

Submission:

Labcorp Genetics (formerly Invitae), Labcorp
Classification: Uncertain significance. Last evaluated: 2022-10-25. Review status: criteria provided, single submitter. Criteria: Invitae Variant Classification Sherloc (09022015). Collection method: clinical testing. Allele origin: germline.
Comment: This variant is not present in population databases (gnomAD no frequency). This sequence change replaces valine, which is neutral and non-polar, with methionine, which is neutral and non-polar, at codon 676 of the CNGB1 protein (p.Val676Met). This variant has not been reported in the literature in individuals affected with CNGB1-related conditions. In summary, the available evidence is currently insufficient to determine the role of this variant in disease. Therefore, it has been classified as a Variant of Uncertain Significance. Advanced modeling of protein sequence and biophysical properties (such as structural, functional, and spatial information, amino acid conservation, physicochemical variation, residue mobility, and thermodynamic stability) performed at Invitae indicates that this missense variant is not expected to disrupt CNGB1 protein function. ClinVar contains an entry for this variant (Variation ID: 953455).